The following is an entry in ClinVar:

ClinVar aggregate classification (germline): Uncertain significance (1 of 4 stars; one submission).

Conditions:
Congenital myasthenic syndrome 8. Also called: MYASTHENIC SYNDROME, CONGENITAL, DUE TO AGRIN DEFICIENCY; Myasthenic syndrome, congenital, 8, with pre- and postsynaptic defects. Identifiers: Orphanet 590, MedGen C3808739, MONDO:0014052, OMIM 615120.

Allele frequency attached by ClinVar (database versions not stated): gnomAD exomes below 0.00001; gnomAD 0.00003; TOPMed 0.00003; ExAC 0.00005; 1000 Genomes Project 30x 0.00016; 1000 Genomes Project 0.00020.

Submission:

Labcorp Genetics (formerly Invitae), Labcorp
Classification: Uncertain significance for Congenital myasthenic syndrome 8. Last evaluated: 2023-08-01. Review status: criteria provided, single submitter. Criteria: Invitae Variant Classification Sherloc (09022015). Collection method: clinical testing. Allele origin: germline.
Comment: This sequence change replaces alanine, which is neutral and non-polar, with threonine, which is neutral and polar, at codon 354 of the AGRN protein (p.Ala354Thr). This variant is present in population databases (rs532709921, gnomAD 0.02%). This variant has not been reported in the literature in individuals affected with AGRN-related conditions. Algorithms developed to predict the effect of missense changes on protein structure and function output the following: SIFT: "Not Available"; PolyPhen-2: "Possibly Damaging"; Align-GVGD: "Not Available". The threonine amino acid residue is found in multiple mammalian species, which suggests that this missense change does not adversely affect protein function. In summary, the available evidence is currently insufficient to determine the role of this variant in disease. Therefore, it has been classified as a Variant of Uncertain Significance.

NM_198576.4(AGRN):c.1060G>A (p.Ala354Thr)

Gene: AGRN (agrin; plus strand). Cytogenetic location: 1p36.33.
Variant type: single nucleotide variant.
Coding change: c.1060G>A on transcript NM_198576.4 (MANE Select); coding-DNA position 1060, G replaced by A.
Protein change: p.Ala354Thr; replaces alanine 354 with threonine.
Molecular consequence: missense variant.
Genome position (GRCh38, 1-based): chr1:1,041,585, G>A. VCF-style: chr1-1041585-G-A. GRCh37 (hg19) VCF-style: chr1-976965-G-A.
Other names: c.1060G>A, p.Ala354Thr (NM_001305275.2); c.745G>A, p.Ala249Thr (NM_001364727.2); short protein forms A249T, A354T.
Identifiers: ClinVar variation 3014589 (VCV003014589.3), dbSNP rs532709921, ClinGen allele CA507996.